The following is an entry in ClinVar:

ClinVar aggregate classification (germline): Uncertain significance (1 of 4 stars; one submission).

Conditions:
PIK3CA related overgrowth syndrome. Also called: PIK3CA-Related Segmental Overgrowth; PIK3CA related overgrowth spectrum. Identifiers: Orphanet 530313, MedGen C4728213, MONDO:1040002.

Submission:

Clinical Genomics Laboratory, Washington University in St. Louis
Classification: Uncertain significance for PIK3CA-related overgrowth syndrome. Last evaluated: 2025-08-27. Review status: criteria provided, single submitter. Criteria: Leon-Quintero et al. (Clin Genet. 2025). Collection method: clinical testing. Allele origin: somatic. Affected: yes.
Comment: A PIK3CA c.337_339dup (p.Leu113dup) variant was identified at an allelic fraction consistent with somatic origin. This variant, to our knowledge, has not been reported in the medical literature. It is absent from the general population (gnomAD v4.1.0), indicating it is not a common variant. This variant is a duplication of a single amino acid in a non-repeat region. Due to limited information, and based on internally developed protocol informed by the ACMG/AMP guidelines for variant interpretation and gene-specific practices from the ClinGen Criteria Specification Registry (Leon-Quintero FZ et al., PMID: 39434542), the clinical significance of the PIK3CA c.337_339dup (p.Leu113dup) is uncertain at this time.

NM_006218.4(PIK3CA):c.337_339dup (p.Leu113_Asn114insLeu)

Gene: PIK3CA (phosphatidylinositol-4,5-bisphosphate 3-kinase catalytic subunit alpha; plus strand). Cytogenetic location: 3q26.32.
Variant type: Duplication.
Coding change: c.337_339dup on transcript NM_006218.4 (MANE Select); coding-DNA positions 337 to 339, 3 bases duplicated (CTC; older notation c.337_339dupCTC).
Protein change: p.Leu113_Asn114insLeu.
Molecular consequence: inframe insertion.
Genome position (GRCh38, 1-based): chr3:179,199,162-179,199,164, CTC duplicated; duplicating any 3 consecutive bases within chr3:179,199,160-179,199,164 gives the same sequence; the c. name uses the placement nearest the transcript's 3' end. VCF-style (leftmost placement, unchanged base first): chr3-179199159-A-ATCC. GRCh37 (hg19) VCF-style: chr3-178916947-A-ATCC.
Identifiers: ClinVar variation 4279994 (VCV004279994.1).